The following is an entry in ClinVar:

ClinVar aggregate classification (germline): Uncertain significance (1 of 4 stars; one submission).

Conditions:
Fanconi anemia (FA). Also called: Fanconi's anemia. Identifiers: Orphanet 84, MedGen C0015625, MeSH D005199, MONDO:0019391.

Allele frequency attached by ClinVar (database versions not stated): gnomAD exomes below 0.00001 and 0.00006; ExAC 0.00001; gnomAD 0.00003 and 0.00004; TOPMed 0.00003; ESP Exome Variant Server 0.00008.
gnomAD v4.1: 87 of 1,612,894 alleles (0.0054%); highest among the groups gnomAD compares: Non-Finnish European, 0.007%; no homozygotes.

Submission:

Labcorp Genetics (formerly Invitae), Labcorp
Classification: Uncertain significance for Fanconi anemia. Last evaluated: 2021-09-01. Review status: criteria provided, single submitter. Criteria: Invitae Variant Classification Sherloc (09022015). Collection method: clinical testing. Allele origin: germline.
Comment: This sequence change replaces threonine with isoleucine at codon 30 of the FANCI protein (p.Thr30Ile). The threonine residue is weakly conserved and there is a moderate physicochemical difference between threonine and isoleucine. This variant is present in population databases (rs199713555, ExAC 0.01%). This variant has not been reported in the literature in individuals affected with FANCI-related conditions. Algorithms developed to predict the effect of missense changes on protein structure and function (SIFT, PolyPhen-2, Align-GVGD) all suggest that this variant is likely to be tolerated. In summary, the available evidence is currently insufficient to determine the role of this variant in disease. Therefore, it has been classified as a Variant of Uncertain Significance.

NM_001113378.2(FANCI):c.89C>T (p.Thr30Ile)

Gene: FANCI (FA complementation group I; plus strand). Cytogenetic location: 15q26.1.
Variant type: single nucleotide variant.
Coding change: c.89C>T on transcript NM_001113378.2 (MANE Select); coding-DNA position 89, C replaced by T.
Protein change: p.Thr30Ile; replaces threonine 30 with isoleucine.
Molecular consequence: missense variant. On other transcripts: 5 prime UTR variant (1).
Genome position (GRCh38, 1-based): chr15:89,258,708, C>T. VCF-style: chr15-89258708-C-T. GRCh37 (hg19) VCF-style: chr15-89801939-C-T.
Other names: c.-191C>T (NM_001376910.1); c.89C>T, p.Thr30Ile (NM_001376911.1, NM_018193.3); short protein forms T30I.
Identifiers: ClinVar variation 1001966 (VCV001001966.2), dbSNP rs199713555, ClinGen allele CA7722491.